The following is an entry in ClinVar:

ClinVar aggregate classification (germline): Uncertain significance. Review status: criteria provided, multiple submitters, no conflicts (2 of 4 stars). 4 submissions from 4 submitters: Uncertain significance (4). Last evaluated 2025-12-09.

Conditions:
Fanconi anemia (FA). Also called: Fanconi's anemia. Identifiers: Orphanet 84, MedGen C0015625, MeSH D005199, MONDO:0019391.
Spermatogenic failure 28. Identifiers: MedGen C4748117, MONDO:0054732, OMIM 618086.
Premature ovarian failure 15. Identifiers: MedGen C4748170, MONDO:0054862, OMIM 618096.

Allele frequency attached by ClinVar (database versions not stated): TOPMed 0.00003.
gnomAD v4.1: 126 of 1,608,142 alleles (0.0078%); highest among the groups gnomAD compares: Non-Finnish European, 0.01%; no homozygotes.

Submissions (4):

Labcorp Genetics (formerly Invitae), Labcorp
Classification: Uncertain significance for Fanconi anemia. Last evaluated: 2025-12-09. Review status: criteria provided, single submitter. Criteria: Invitae Variant Classification Sherloc (09022015). Collection method: clinical testing. Allele origin: germline.
Comment: This sequence change replaces glutamine, which is neutral and polar, with histidine, which is basic and polar, at codon 730 of the FANCM protein (p.Gln730His). This variant is present in population databases (rs117392855, gnomAD 0.01%). This variant has not been reported in the literature in individuals affected with FANCM-related conditions. ClinVar contains an entry for this variant (Variation ID: 836302). An algorithm developed to predict the effect of missense changes on protein structure and function outputs the following: PolyPhen-2: "Benign". The histidine amino acid residue is found in multiple mammalian species, which suggests that this missense change does not adversely affect protein function. In summary, the available evidence is currently insufficient to determine the role of this variant in disease. Therefore, it has been classified as a Variant of Uncertain Significance.

GeneDx
Classification: Uncertain significance. Last evaluated: 2025-08-04. Review status: criteria provided, single submitter. Criteria: GeneDx Variant Classification Process June 2021. Collection method: clinical testing. Allele origin: germline. Affected: yes.
Comment: Not observed at significant frequency in large population cohorts (gnomAD); In silico analysis supports that this missense variant has a deleterious effect on protein structure/function; Observed in a healthy control but no cases in an ovarian cancer case-control study (PMID: 28881617); This variant is associated with the following publications: (PMID: 28881617)

Fulgent Genetics
Classification: Uncertain significance for Spermatogenic failure 28; Premature ovarian failure 15. Last evaluated: 2024-02-23. Review status: criteria provided, single submitter. Criteria: ACMG Guidelines, 2015. Collection method: clinical testing. Allele origin: germline.

Quest Diagnostics Nichols Institute San Juan Capistrano
Classification: Uncertain significance. Last evaluated: 2023-07-03. Review status: criteria provided, single submitter. Criteria: Quest Diagnostics criteria. Collection method: clinical testing. Allele origin: unknown.
Comment: This variant has not been reported in the published literature. The frequency of this variant in the general population, 0.00013 (15/113398 chromosomes (Genome Aggregation Database)), is uninformative in the assessment of its pathogenicity. Analysis of this variant using bioinformatics tools for the prediction of the effect of amino acid changes on protein structure and function yielded predictions that this variant is benign. Based on the available information, we are unable to determine the clinical significance of this variant.

NM_020937.4(FANCM):c.2190A>T (p.Gln730His)

Gene: FANCM (FA complementation group M; plus strand). Cytogenetic location: 14q21.2.
Variant type: single nucleotide variant.
Coding change: c.2190A>T on transcript NM_020937.4 (MANE Select); coding-DNA position 2190, A replaced by T.
Protein change: p.Gln730His; replaces glutamine 730 with histidine.
Molecular consequence: missense variant.
Genome position (GRCh38, 1-based): chr14:45,173,084, A>T. VCF-style: chr14-45173084-A-T. GRCh37 (hg19) VCF-style: chr14-45642287-A-T.
Other names: c.2190A>T (NM_020937.3); c.2112A>T, p.Gln704His (NM_001308133.2); short protein forms Q704H, Q730H.
Identifiers: ClinVar variation 836302 (VCV000836302.15), dbSNP rs117392855, ClinGen allele CA7169286.
Genomic context (GRCh38, chr14:45,173,084, plus strand): 5'-CATCATTTTTATTACTTTTTAAATAATTAAGGCTCAAGAATCAACCACTGGAATTCATCA[A>T]CTCTCTCTCTCTGAATGGAGACTGTGGCAAGATCATCCTTTGCCTACACATCAAGTTGAT-3'
Protein context (NP_065988.1, residues 720-740): PAQESTTGIH[Gln730His]LSLSEWRLWQ